The following is an entry in ClinVar:

ClinVar aggregate classification (germline): Uncertain significance. Review status: criteria provided, multiple submitters, no conflicts (2 of 4 stars). 6 submissions from 6 submitters: Uncertain significance (6). Last evaluated 2026-07-28.

Conditions:
EDN3-related disorder. Also called: EDN3-related condition.

Allele frequency attached by ClinVar (database versions not stated): gnomAD exomes 0.00007 and 0.00008; ExAC 0.00009; gnomAD 0.00013 and 0.00015; TOPMed 0.00021; ESP Exome Variant Server 0.00031.
gnomAD v4.1: 128 of 1,613,898 alleles (0.0079%); highest among the groups gnomAD compares: African/African-American, 0.036%; no homozygotes.

Submissions (6):

GeneDx
Classification: Uncertain significance. Last evaluated: 2026-07-28. Review status: criteria provided, single submitter. Criteria: GeneDx Variant Classification Process June 2021. Collection method: clinical testing. Allele origin: germline.
Comment: In silico analysis suggests that this missense variant does not alter protein structure/function; Observed in a patient with bilateral sensorineural hearing loss in published literature, but additional evidence is not available (PMID: 23967202); This variant is associated with the following publications: (PMID: 34426522, 23967202)

PreventionGenetics, part of Exact Sciences
Classification: Uncertain significance for EDN3-related condition. Last evaluated: 2024-12-23. Review status: criteria provided, single submitter. Criteria: ACMG Guidelines, 2015. Collection method: clinical testing. Allele origin: germline.
Comment: The EDN3 c.554C>T variant is predicted to result in the amino acid substitution p.Thr185Met. This variant was reported in an individual with sporadic hearing loss (Table S2, No 39, Miyagawa et al. 2013. PubMed ID: 23967202). This variant is reported in 0.016% of alleles in individuals of African descent in gnomAD. At this time, the clinical significance of this variant is uncertain due to the absence of conclusive functional and genetic evidence.

Labcorp Genetics (formerly Invitae), Labcorp
Classification: Uncertain significance. Last evaluated: 2024-12-03. Review status: criteria provided, single submitter. Criteria: Invitae Variant Classification Sherloc (09022015). Collection method: clinical testing. Allele origin: germline.
Comment: This sequence change replaces threonine, which is neutral and polar, with methionine, which is neutral and non-polar, at codon 185 of the EDN3 protein (p.Thr185Met). This variant is present in population databases (rs368327225, gnomAD 0.02%). This missense change has been observed in individual(s) with late-onset deafness (PMID: 23967202). ClinVar contains an entry for this variant (Variation ID: 228660). An algorithm developed to predict the effect of missense changes on protein structure and function (PolyPhen-2) suggests that this variant is likely to be disruptive. In summary, the available evidence is currently insufficient to determine the role of this variant in disease. Therefore, it has been classified as a Variant of Uncertain Significance.

Blueprint Genetics
Classification: Uncertain significance. Last evaluated: 2023-09-22. Review status: criteria provided, single submitter. Criteria: ACMG Guidelines, 2015. Collection method: clinical testing. Allele origin: germline.

Women's Health and Genetics/Laboratory Corporation of America, LabCorp
Classification: Uncertain significance. Last evaluated: 2023-01-28. Review status: criteria provided, single submitter. Criteria: LabCorp Variant Classification Summary - May 2015. Collection method: clinical testing. Allele origin: germline.
Comment: Variant summary: EDN3 c.554C>T (p.Thr185Met) results in a non-conservative amino acid change in the encoded protein sequence. Four of five in-silico tools predict a benign effect of the variant on protein function. The variant allele was found at a frequency of 7.6e-05 in 251420 control chromosomes (gnomAD). This report does not provide unequivocal conclusions about association of the variant with Waardenburg Syndrome Type 4B. To our knowledge, no experimental evidence demonstrating an impact on protein function has been reported. One ClinVar submitter has assessed the variant since 2014: the variant was classified as uncertain significance. Based on the evidence outlined above, the variant was classified as uncertain significance.

Laboratory for Molecular Medicine, Mass General Brigham Personalized Medicine
Classification: Uncertain significance. Last evaluated: 2015-02-25. Review status: criteria provided, single submitter. Criteria: LMM Criteria. Collection method: clinical testing. Allele origin: germline. Observed: 1 variant allele.
Comment: This variant has been identified in 4/165 12 South Asian chromosomes by the Exome Aggregation Consortium (ExAC; dbSNP rs368327225). Computational prediction tools and con servation analysis do not provide strong support for or against an impact to the protein. In summary, the clinical significance of the p.Thr185Met variant is un certain.

Literature cited by the submitters: PubMed 23967202 (cited by 3 submitters).

NM_207034.3(EDN3):c.554C>T (p.Thr185Met)

Gene: EDN3 (endothelin 3; plus strand). Cytogenetic location: 20q13.32.
Variant type: single nucleotide variant.
Coding change: c.554C>T on transcript NM_207034.3 (MANE Select); coding-DNA position 554, C replaced by T.
Protein change: p.Thr185Met; replaces threonine 185 with methionine.
Molecular consequence: missense variant. On other transcripts: intron variant (2).
Genome position (GRCh38, 1-based): chr20:59,322,383, C>T. VCF-style: chr20-59322383-C-T. GRCh37 (hg19) VCF-style: chr20-57897438-C-T.
Other names: c.554C>T, p.Thr185Met (NM_001302455.2, NM_207032.3); c.542+1190C>T (NM_207033.3, NM_001302456.2); c.554C>T (NM_207034.2, NM_207034.1); short protein forms T185M.
Identifiers: ClinVar variation 228660 (VCV000228660.15), dbSNP rs368327225, ClinGen allele CA9930411.